The following is an entry in ClinVar:

NM_001370259.2(MEN1):c.1489A>C (p.Lys497Gln)

Gene: MEN1 (menin 1; minus strand). Cytogenetic location: 11q13.1.
Variant type: single nucleotide variant.
Coding change: c.1489A>C on transcript NM_001370259.2 (MANE Select); coding-DNA position 1489, A replaced by C.
Protein change: p.Lys497Gln; replaces lysine 497 with glutamine.
Molecular consequence: missense variant. On other transcripts: non-coding transcript variant (4).
Genome position (GRCh38, 1-based): chr11:64,804,678, T>G on the plus strand (A>C on the coding strand, the complement: MEN1 is on the minus strand). VCF-style: chr11-64804678-T-G. GRCh37 (hg19) VCF-style: chr11-64572150-T-G.
Other names: c.1324A>C, p.Lys442Gln (NM_001407152.1); c.1489A>C, p.Lys497Gln (NM_130799.3, NM_001370260.2, NM_001370261.2 and 2 more transcripts); c.1504A>C, p.Lys502Gln (NM_130800.3, NM_130801.3, NM_130802.3 and 4 more transcripts); c.1615A>C, p.Lys539Gln (NM_001370251.2, NM_001407142.1, NM_001407143.1 and 1 more transcripts); c.1384A>C, p.Lys462Gln (NM_001370262.2, NM_001370263.2, NM_001407148.1 and 1 more transcripts); c.1630A>C, p.Lys544Gln (NM_001407150.1); c.1510A>C, p.Lys504Gln (NM_001407151.1); short protein forms K442Q, K462Q, K497Q, K502Q, K504Q, K539Q, K544Q.
Identifiers: ClinVar variation 3387021 (VCV003387021.1).

ClinVar aggregate classification (germline): Uncertain significance (1 of 4 stars; one submission).

Conditions:
Multiple endocrine neoplasia, type 1 (MEN1). Also called: MEN I; WERMER SYNDROME; Endocrine adenomatosis multiple; MEN 1; MEA I. Identifiers: Orphanet 652, MedGen C0025267, MeSH D018761, MONDO:0007540, OMIM 131100.

Submission:

All of Us Research Program, National Institutes of Health
Classification: Uncertain significance for Multiple endocrine neoplasia, type 1. Last evaluated: 2024-04-25. Review status: criteria provided, single submitter. Criteria: ACMG Guidelines, 2015. Collection method: clinical testing. Allele origin: germline. Inheritance: Autosomal dominant inheritance. Observed: 1 variant allele, 1 heterozygote.
Comment: This missense variant replaces lysine with glutamine at codon 497 of the MEN1 protein. Computational prediction suggests that this variant may not impact protein structure and function. To our knowledge, functional studies have not been reported for this variant. This variant has not been reported in individuals affected with MEN1-related disorders in the literature. This variant has not been identified in the general population by the Genome Aggregation Database (gnomAD). The available evidence is insufficient to determine the role of this variant in disease conclusively. Therefore, this variant is classified as a Variant of Uncertain Significance.

This study involves interpretation of variants in research participants for the purpose of population health screening. Participant phenotype was not available at the time of variant classification. Additional details can be found in publication PMID: 35346344, PMCID: PMC8962531